The following is an entry in ClinVar:

NM_001127649.3(PEX26):c.384C>G (p.Tyr128Ter)

Gene: PEX26 (peroxisomal biogenesis factor 26; plus strand). Cytogenetic location: 22q11.21.
Variant type: single nucleotide variant.
Coding change: c.384C>G on transcript NM_001127649.3 (MANE Select); coding-DNA position 384, C replaced by G.
Protein change: p.Tyr128Ter; replaces tyrosine 128 with a stop codon.
Molecular consequence: nonsense.
Genome position (GRCh38, 1-based): chr22:18,083,449, C>G. VCF-style: chr22-18083449-C-G. GRCh37 (hg19) VCF-style: chr22-18566215-C-G.
Other names: c.384C>G, p.Tyr128Ter (NM_001199319.2, NM_017929.6); short protein forms Y128*.
Identifiers: ClinVar variation 4795846 (VCV004795846.1).

ClinVar aggregate classification (germline): Likely pathogenic (1 of 4 stars; one submission).

Conditions:
Peroxisome biogenesis disorder 7A (Zellweger). Also called: Peroxisome biogenesis disorder 7A. Identifiers: Orphanet 912, MedGen C3888385, MONDO:0013938, OMIM 614872.

Submission:

Department of Human Genetics, Hannover Medical School
Classification: Likely pathogenic for Peroxisome biogenesis disorder 7A (Zellweger). Last evaluated: 2026-02-19. Review status: criteria provided, single submitter. Criteria: ACMG Guidelines, 2015. Collection method: clinical testing. Allele origin: germline. Affected: yes.
Comment: PVS1, PM2_Supporting